The following is an entry in ClinVar:

ClinVar aggregate classification (germline): Conflicting classifications of pathogenicity. Review status: criteria provided, conflicting classifications (1 of 4 stars). 6 submissions from 5 submitters: Uncertain significance (3); Likely benign (3). Last evaluated 2025-04-22.

Conditions:
Autosomal recessive ataxia, Beauce type. Also called: SYNE1 Deficiency; SYNE1-Related Autosomal Recessive Cerebellar Ataxia; Spinocerebellar ataxia, autosomal recessive 8; ATAXIA, RECESSIVE, OF BEAUCE. Identifiers: Orphanet 88644, MedGen C1853116, MONDO:0012549, OMIM 610743.
Emery-Dreifuss muscular dystrophy 4, autosomal dominant (EDMD4). Also called: EMERY-DREIFUSS MUSCULAR DYSTROPHY 4 WITH VARIABLE FEATURES. Identifiers: Orphanet 261, MedGen C2751807, MONDO:0013071, OMIM 612998.

Allele frequency attached by ClinVar (database versions not stated): TOPMed 0.00002; ESP Exome Variant Server 0.00008.
gnomAD v4.1: 153 of 1,614,058 alleles (0.0095%); highest among the groups gnomAD compares: Non-Finnish European, 0.012%; no homozygotes.

Submissions (6):

Labcorp Genetics (formerly Invitae), Labcorp
Classification: Likely benign for Emery-Dreifuss muscular dystrophy 4, autosomal dominant; Autosomal recessive ataxia, Beauce type. Last evaluated: 2025-04-22. Review status: criteria provided, single submitter. Criteria: Invitae Variant Classification Sherloc (09022015). Collection method: clinical testing. Allele origin: germline.

Blueprint Genetics
Classification: Likely benign. Last evaluated: 2024-04-03. Review status: criteria provided, single submitter. Criteria: ACMG Guidelines, 2015. Collection method: clinical testing. Allele origin: germline.

CeGaT Center for Human Genetics Tuebingen
Classification: Likely benign. Last evaluated: 2022-03-01. Review status: criteria provided, single submitter. Criteria: CeGaT Center For Human Genetics Tuebingen Variant Classification Criteria Version 2. Collection method: clinical testing. Allele origin: germline. Affected: yes. Observed: 1 variant allele.
Comment: SYNE1: BP4, BP7

Eurofins Ntd Llc (ga)
Classification: Uncertain significance. Last evaluated: 2018-09-14. Review status: criteria provided, single submitter. Criteria: EGL ClinVar v180209 classification definitions. Collection method: clinical testing. Allele origin: germline. Observed: 2 variant alleles, 2 heterozygotes.

Illumina Laboratory Services, Illumina
Classification: Uncertain significance for Emery-Dreifuss muscular dystrophy 4, autosomal dominant. Last evaluated: 2018-01-12. Review status: criteria provided, single submitter. Criteria: ICSL Variant Classification Criteria 13 December 2019. Collection method: clinical testing. Allele origin: germline.

Illumina Laboratory Services, Illumina
Classification: Uncertain significance for Autosomal recessive ataxia, Beauce type. Last evaluated: 2018-01-12. Review status: criteria provided, single submitter. Criteria: ICSL Variant Classification Criteria 13 December 2019. Collection method: clinical testing. Allele origin: germline.

NM_182961.4(SYNE1):c.9897G>A (p.Ala3299=)

Gene: SYNE1 (spectrin repeat containing nuclear envelope protein 1; minus strand). Cytogenetic location: 6q25.2.
Variant type: single nucleotide variant.
Coding change: c.9897G>A on transcript NM_182961.4 (MANE Select); coding-DNA position 9897, G replaced by A.
Protein change: p.Ala3299=; no amino-acid change (alanine 3299 retained).
Molecular consequence: synonymous variant.
Genome position (GRCh38, 1-based): chr6:152,367,293, C>T on the plus strand (G>A on the coding strand, the complement: SYNE1 is on the minus strand). VCF-style: chr6-152367293-C-T. GRCh37 (hg19) VCF-style: chr6-152688428-C-T.
Other names: c.9918G>A, p.Ala3306= (NM_033071.5).
Identifiers: ClinVar variation 595907 (VCV000595907.44), dbSNP rs184006845, ClinGen allele CA4057162.